The following is an entry in ClinVar:

NM_000391.4(TPP1):c.1613C>A (p.Ser538Tyr)

Gene: TPP1 (tripeptidyl peptidase 1; minus strand). Cytogenetic location: 11p15.4.
Variant type: single nucleotide variant.
Coding change: c.1613C>A on transcript NM_000391.4 (MANE Select); coding-DNA position 1613, C replaced by A.
Protein change: p.Ser538Tyr; replaces serine 538 with tyrosine.
Molecular consequence: missense variant.
Genome position (GRCh38, 1-based): chr11:6,614,625, G>T on the plus strand (C>A on the coding strand, the complement: TPP1 is on the minus strand). VCF-style: chr11-6614625-G-T. GRCh37 (hg19) VCF-style: chr11-6635856-G-T.
Other names: short protein forms S538Y.
Identifiers: ClinVar variation 2136995 (VCV002136995.4), dbSNP rs755878872, ClinGen allele CA379472092.
Genomic context (GRCh38, chr11:6,614,625, plus strand): 5'-TTCAGCAAAGCTGGGAAGTTGGGTGTTCCCCAGCCTGTTACAGGATCCCAGCCAGGACCA[G>T]AGCAGAAACCCTGGCCCTCTACCTCTTCATCCAGACAGGACTCATGGCAGCCACGGGTTA-3'
Protein context (NP_000382.3, residues 528-548): DEEVEGQGFC[Ser538Tyr]GPGWDPVTGW

ClinVar aggregate classification (germline): Pathogenic (1 of 4 stars; one submission).

Submission:

Labcorp Genetics (formerly Invitae), Labcorp
Classification: Pathogenic. Last evaluated: 2022-08-03. Review status: criteria provided, single submitter. Criteria: Invitae Variant Classification Sherloc (09022015). Collection method: clinical testing. Allele origin: germline.
Comment: This sequence change replaces serine, which is neutral and polar, with tyrosine, which is neutral and polar, at codon 538 of the TPP1 protein (p.Ser538Tyr). This variant is not present in population databases (gnomAD no frequency). This missense change has been observed in individual(s) with neuronal ceroid lipofuscinosis (PMID: 26032578). In at least one individual the data is consistent with being in trans (on the opposite chromosome) from a pathogenic variant. Advanced modeling of protein sequence and biophysical properties (such as structural, functional, and spatial information, amino acid conservation, physicochemical variation, residue mobility, and thermodynamic stability) performed at Invitae indicates that this missense variant is expected to disrupt TPP1 protein function. For these reasons, this variant has been classified as Pathogenic.

Literature cited by the submitters: PubMed 26032578.